The following is an entry in ClinVar:

ClinVar aggregate classification (germline): Uncertain significance. Review status: criteria provided, multiple submitters, no conflicts (2 of 4 stars). 4 submissions from 4 submitters: Uncertain significance (4). Last evaluated 2024-11-25.

Submissions (4):

Blueprint Genetics
Classification: Uncertain significance. Last evaluated: 2024-11-25. Review status: criteria provided, single submitter. Criteria: ACMG Guidelines, 2015. Collection method: clinical testing. Allele origin: germline.

Labcorp Genetics (formerly Invitae), Labcorp
Classification: Uncertain significance. Last evaluated: 2022-06-28. Review status: criteria provided, single submitter. Criteria: Invitae Variant Classification Sherloc (09022015). Collection method: clinical testing. Allele origin: germline.
Comment: This variant, c.49_54dup, results in the insertion of 2 amino acid(s) of the AGPS protein (p.Ala17_Ser18dup), but otherwise preserves the integrity of the reading frame. This variant is present in population databases (rs771730798, gnomAD 0.1%). This variant has not been reported in the literature in individuals affected with AGPS-related conditions. Experimental studies and prediction algorithms are not available or were not evaluated, and the functional significance of this variant is currently unknown. In summary, the available evidence is currently insufficient to determine the role of this variant in disease. Therefore, it has been classified as a Variant of Uncertain Significance.

Women's Health and Genetics/Laboratory Corporation of America, LabCorp
Classification: Uncertain significance. Last evaluated: 2022-05-04. Review status: criteria provided, single submitter. Criteria: LabCorp Variant Classification Summary - May 2015. Collection method: clinical testing. Allele origin: germline.
Comment: Variant summary: AGPS c.49_54dupGCGAGC (p.Ala17_Ser18dup) results in an in-frame duplication that is predicted to duplicate 2 amino acids into the encoded protein. The variant allele was found at a frequency of 0.00017 in 144012 control chromosomes, predominantly at a frequency of 0.00098 within the South Asian subpopulation in the gnomAD database. This frequency is approximately equal to the estimated maximal expected allele frequency for a pathogenic variant in AGPS causing Rhizomelic Chondrodysplasia Punctata (0.00098 vs 0.0011). To our knowledge, no occurrence of c.49_54dupGCGAGC in individuals affected with Rhizomelic Chondrodysplasia Punctata and no experimental evidence demonstrating its impact on protein function have been reported. A ClinVar submitter (evaluation after 2014) cites the variant as uncertain significance. Based on the evidence outlined above, the variant was classified as uncertain significance.

Breakthrough Genomics
Classification: Uncertain significance. Review status: criteria provided, single submitter. Criteria: ACMG Guidelines, 2015. Collection method: not provided. Allele origin: germline. Inheritance: Autosomal recessive inheritance. Affected: yes.

NM_003659.4(AGPS):c.49_54dup (p.Ala17_Ser18dup)

Genes: AGPS (alkylglycerone phosphate synthase; plus strand), LOC129935172 (ATAC-STARR-seq lymphoblastoid silent region 12147; plus strand). Cytogenetic location: 2q31.2.
Variant type: Duplication.
Coding change: c.49_54dup on transcript NM_003659.4 (MANE Select); coding-DNA positions 49 to 54, 6 bases duplicated (GCGAGC; older notation c.49_54dupGCGAGC).
Protein change: p.Ala17_Ser18dup.
Molecular consequence: inframe insertion.
Genome position (GRCh38, 1-based): chr2:177,392,838-177,392,843, GCGAGC duplicated; duplicating any 6 consecutive bases within chr2:177,392,836-177,392,843 gives the same sequence; the c. name uses the placement nearest the transcript's 3' end. VCF-style (leftmost placement, unchanged base first): chr2-177392835-G-GGCGCGA. GRCh37 (hg19) VCF-style: chr2-178257563-G-GGCGCGA.
Identifiers: ClinVar variation 1505604 (VCV001505604.6), dbSNP rs771730798, ClinGen allele CA1979998.